The following is an entry in ClinVar:

ClinVar aggregate classification (germline): Likely pathogenic (1 of 4 stars; one submission).

Conditions:
Primary ciliary dyskinesia. Also called: Ciliary dyskinesia. Identifiers: Orphanet 244, MedGen C0008780, MONDO:0016575, HP:0012265.

Submission:

Natera, Inc.
Classification: Likely pathogenic for Primary ciliary dyskinesia. Last evaluated: 2024-08-29. Review status: criteria provided, single submitter. Criteria: Natera Variant Classification Schema (03/2026). Collection method: clinical testing. Allele origin: germline.
Comment: The c.412_413del variant in DNAI1 is a frameshift variant predicted to shift the reading frame beginning at codon 138 and leads to a stop codon 18 codons downstream. This variant is expected to result in nonsense mediated decay, truncation, or a dysfunctional protein product. This variant is rare in the general population with a frequency below the threshold expected for the associated phenotype(s). Given the available evidence, this variant is classified as Likely Pathogenic.

NM_012144.4(DNAI1):c.412_413del (p.Ile138fs)

Gene: DNAI1 (dynein axonemal intermediate chain 1; plus strand). Cytogenetic location: 9p13.3.
Variant type: Deletion.
Coding change: c.412_413del on transcript NM_012144.4 (MANE Select); coding-DNA positions 412 to 413, 2 bases deleted (AT; older notation c.412_413delAT).
Protein change: p.Ile138fs; shifts the reading frame from isoleucine 138.
Molecular consequence: frameshift variant.
Genome position (GRCh38, 1-based): chr9:34,490,035-34,490,036, AT deleted. VCF-style (leftmost placement, unchanged base first): chr9-34490034-GAT-G. GRCh37 (hg19) VCF-style: chr9-34490032-GAT-G.
Other names: c.424_425del, p.Ile142fs (NM_001281428.2); short protein forms I138fs, I142fs.
Identifiers: ClinVar variation 4815548 (VCV004815548.1).
Genomic context (GRCh38, chr9:34,490,034, plus strand): 5'-GGCTTAGACTTTGAACTCATTGGCAGTATCCTACCAAGGTTCTCAGGAGTCTGTCAAGGT[GAT>G]TTCAGAAACAGGAAACCTCGAAGAAGACGAAGAGCCCAAGGAGTTAGAAACTGAGCCTGG-3'